The following is an entry in ClinVar:

NM_016417.3(GLRX5):c.295+230C>T

Gene: GLRX5 (glutaredoxin 5; plus strand). Cytogenetic location: 14q32.13.
Variant type: single nucleotide variant.
Coding change: c.295+230C>T on transcript NM_016417.3 (MANE Select); 230 bases into the intron after coding-DNA position 295, C replaced by T.
Molecular consequence: intron variant.
Genome position (GRCh38, 1-based): chr14:95,535,614, C>T. VCF-style: chr14-95535614-C-T. GRCh37 (hg19) VCF-style: chr14-96001951-C-T.
Identifiers: ClinVar variation 672600 (VCV000672600.1), dbSNP rs7158611, ClinGen allele CA16497897.

ClinVar aggregate classification (germline): Benign (1 of 4 stars; one submission).

Allele frequency attached by ClinVar (database versions not stated): gnomAD 0.03537 and 0.03783; TOPMed 0.04002; 1000 Genomes Project 0.04014; 1000 Genomes Project 30x 0.04325.
gnomAD v4.1: 5,342 of 152,282 alleles (3.5%); highest among the groups gnomAD compares: African/African-American, 12%; 308 homozygotes.

Submission:

GeneDx
Classification: Benign. Last evaluated: 2018-06-14. Review status: criteria provided, single submitter. Criteria: GeneDx Variant Classification (06012015). Collection method: clinical testing. Allele origin: germline. Affected: yes.
Comment: This variant is considered likely benign or benign based on one or more of the following criteria: it is a conservative change, it occurs at a poorly conserved position in the protein, it is predicted to be benign by multiple in silico algorithms, and/or has population frequency not consistent with disease.